The following is an entry in ClinVar:

ClinVar aggregate classification (germline): Benign/Likely benign. Review status: criteria provided, multiple submitters, no conflicts (2 of 4 stars). 4 submissions from 4 submitters: Benign (1); Likely benign (2). 1 of the submissions does not count toward it. Last evaluated 2026-05-12.

Conditions:
GP1BA-related disorder. Also called: GP1BA-related condition.

Allele frequency attached by ClinVar (database versions not stated): gnomAD 0.00542 and 0.00515; ESP Exome Variant Server 0.09064; ExAC 0.00020; gnomAD exomes 0.04594 and 0.01227; 1000 Genomes Project 0.14597.
gnomAD v4.1: 52,907 of 1,258,884 alleles (4.2%); highest among the groups gnomAD compares: Non-Finnish European, 4.9%; 2,256 homozygotes.

Submissions (4):

Women's Health and Genetics/Laboratory Corporation of America, LabCorp
Classification: Benign. Last evaluated: 2026-05-12. Review status: criteria provided, single submitter. Criteria: LabCorp Variant Classification Summary - May 2015. Collection method: clinical testing. Allele origin: germline.

GeneDx
Classification: Likely benign. Last evaluated: 2019-04-16. Review status: criteria provided, single submitter. Criteria: GeneDx Variant Classification Process June 2021. Collection method: clinical testing. Allele origin: germline. Affected: yes.

Breakthrough Genomics
Classification: Likely benign. Review status: criteria provided, single submitter. Criteria: ACMG Guidelines, 2015. Collection method: not provided. Allele origin: germline. Inheritance: Autosomal recessive inheritance. Affected: yes.

PreventionGenetics, part of Exact Sciences
Classification: Likely benign for GP1BA-related condition. Last evaluated: 2022-05-13. Review status: no assertion criteria provided. Collection method: clinical testing. Allele origin: germline. Not counted in ClinVar's aggregate classification.
Comment: This variant is classified as likely benign based on ACMG/AMP sequence variant interpretation guidelines (Richards et al. 2015 PMID: 25741868, with internal and published modifications).

NM_000173.7(GP1BA):c.1344C>T (p.Thr448=)

Gene: GP1BA (glycoprotein Ib platelet subunit alpha; plus strand). Cytogenetic location: 17p13.2.
Variant type: single nucleotide variant.
Coding change: c.1344C>T on transcript NM_000173.7 (MANE Select); coding-DNA position 1344, C replaced by T.
Protein change: p.Thr448=; no amino-acid change (threonine 448 retained).
Molecular consequence: synonymous variant.
Genome position (GRCh38, 1-based): chr17:4,933,948, C>T. VCF-style: chr17-4933948-C-T. GRCh37 (hg19) VCF-style: chr17-4837243-C-T.
Other names: c.1344C>T (NM_000173.6).
Identifiers: ClinVar variation 1321144 (VCV001321144.6), dbSNP rs41466145, ClinGen allele CA8314978.